The following is an entry in ClinVar:

ClinVar aggregate classification (germline): Uncertain significance. Review status: criteria provided, multiple submitters, no conflicts (2 of 4 stars). 2 submissions from 2 submitters: Uncertain significance (2). Last evaluated 2025-05-27.

Allele frequency attached by ClinVar (database versions not stated): gnomAD exomes 0.00001.
gnomAD v4.1: 11 of 1,614,190 alleles (0.00068%); highest among the groups gnomAD compares: East Asian, 0.0022%; no homozygotes.

Submissions (2):

Labcorp Genetics (formerly Invitae), Labcorp
Classification: Uncertain significance. Last evaluated: 2025-05-27. Review status: criteria provided, single submitter. Criteria: Invitae Variant Classification Sherloc (09022015). Collection method: clinical testing. Allele origin: germline.
Comment: This sequence change replaces asparagine, which is neutral and polar, with serine, which is neutral and polar, at codon 189 of the KIF20A protein (p.Asn189Ser). This variant is present in population databases (no rsID available, gnomAD 0.003%). This variant has not been reported in the literature in individuals affected with KIF20A-related conditions. ClinVar contains an entry for this variant (Variation ID: 2373131). An algorithm developed to predict the effect of missense changes on protein structure and function outputs the following: PolyPhen-2: "Benign". The serine amino acid residue is found in multiple mammalian species, which suggests that this missense change does not adversely affect protein function. In summary, the available evidence is currently insufficient to determine the role of this variant in disease. Therefore, it has been classified as a Variant of Uncertain Significance.

Ambry Genetics
Classification: Uncertain significance. Last evaluated: 2021-11-30. Review status: criteria provided, single submitter. Criteria: Ambry Variant Classification Scheme 2023. Collection method: clinical testing. Allele origin: germline.

NM_005733.3(KIF20A):c.566A>G (p.Asn189Ser)

Gene: KIF20A (kinesin family member 20A; plus strand). Cytogenetic location: 5q31.2.
Variant type: single nucleotide variant.
Coding change: c.566A>G on transcript NM_005733.3 (MANE Select); coding-DNA position 566, A replaced by G.
Protein change: p.Asn189Ser; replaces asparagine 189 with serine.
Molecular consequence: missense variant.
Genome position (GRCh38, 1-based): chr5:138,182,637, A>G. VCF-style: chr5-138182637-A-G. GRCh37 (hg19) VCF-style: chr5-137518326-A-G.
Other names: short protein forms N189S.
Identifiers: ClinVar variation 2373131 (VCV002373131.3), dbSNP rs942270617, ClinGen allele CA128184942.
Genomic context (GRCh38, chr5:138,182,637, plus strand): 5'-TGCCTCCAGGTACCATCAAGGATGGAGGGATTCTCCCCCGGTCCCTGGCGCTGATCTTCA[A>G]TAGCCTCCAAGGCCAACTTCATCCAACACCTGATCTGAAGCCCTTGCTCTCCAATGAGGT-3'
Protein context (NP_005724.1, residues 179-199): ILPRSLALIF[Asn189Ser]SLQGQLHPTP